The following is an entry in ClinVar:

ClinVar aggregate classification (germline): Uncertain significance (1 of 4 stars; one submission).

Conditions:
Methylmalonic acidemia with homocystinuria, type cblX (MAHCX). Also called: INTELLECTUAL DEVELOPMENTAL DISORDER, X-LINKED 3. Identifiers: Orphanet 369962, MedGen C0796208, MONDO:0010657, OMIM 309541.

Submission:

Dasa
Classification: Uncertain significance for Methylmalonic acidemia with homocystinuria, type cblX. Last evaluated: 2026-04-14. Review status: criteria provided, single submitter. Criteria: DASA Assertion Criteria. Collection method: clinical testing. Allele origin: germline.
Comment: NM_005334.3(HCFC1):c.4322G>A (p.Ser1441Asn) is a missense variant that results in the substitution of serine with asparagine. This variant is rare in population databases. Computational prediction algorithms are consistent with a benign effect. The currently available literature and clinical evidence are not sufficient to establish a definitive association between this variant and the reported condition. Therefore, this variant is classified as a variant of uncertain significance.

NM_005334.3(HCFC1):c.4322G>A (p.Ser1441Asn)

Gene: HCFC1 (host cell factor C1; minus strand). Cytogenetic location: Xq28.
Variant type: single nucleotide variant.
Coding change: c.4322G>A on transcript NM_005334.3 (MANE Select); coding-DNA position 4322, G replaced by A.
Protein change: p.Ser1441Asn; replaces serine 1441 with asparagine.
Molecular consequence: missense variant.
Genome position (GRCh38, 1-based): chrX:153,954,077, C>T on the plus strand (G>A on the coding strand, the complement: HCFC1 is on the minus strand). VCF-style: chrX-153954077-C-T. GRCh37 (hg19) VCF-style: chrX-153219528-C-T.
Other names: c.4322G>A, p.Ser1441Asn (NM_001410705.1, NM_001440843.1, NM_001440844.1 and 5 more transcripts); c.4124G>A, p.Ser1375Asn (NM_001440850.1, NM_001440851.1); short protein forms S1375N, S1441N.
Identifiers: ClinVar variation 4882284 (VCV004882284.2).